The following is an entry in ClinVar:

ClinVar aggregate classification (germline): Likely pathogenic (1 of 4 stars; one submission).

Conditions:
Succinyl-CoA acetoacetate transferase deficiency (SCOTD). Also called: KETOACIDOSIS DUE TO SCOT DEFICIENCY; SCOT DEFICIENCY; SUCCINYL-CoA:3-KETOACID CoA-TRANSFERASE DEFICIENCY; 3-Oxoacid CoA Transferase Deficiency; Succinyl CoA:3-oxoacid CoA transferase deficiency. Identifiers: Orphanet 832, MedGen C0342792, MONDO:0009492, OMIM 245050.

Submission:

Laboratorio de Biologia Molecular - Genetica, Hospital de Pediatria Garrahan
Classification: Likely pathogenic for Succinyl-CoA acetoacetate transferase deficiency. Last evaluated: 2026-10-01. Review status: criteria provided, single submitter. Criteria: ACMG Guidelines, 2015. Collection method: clinical testing. Allele origin: germline. Affected: yes. Observed: 2 variant alleles.
Comment: This sequence change creates a premature translational stop signal (p.Glu48Cysfs*6) in the OXCT1 gene. It is expected to result in an absent or disrupted protein product (PVS1). This variant is absent from population databases (gnomAD no frequency) (PM2_supporting) and has not been reported in the literature in individuals affected with OXCT1-related conditions. This variant has been detected in a compound heterozygous state with a second variant in OXCT1 gene in two Argentinean patients with clinical and biochemical features consistent with a ketolysis disorder (internal data). For these reasons, this variant has been classified as Likely Pathogenic.

NM_000436.4(OXCT1):c.142_151delinsTGTAT (p.Glu48fs)

Gene: OXCT1 (3-oxoacid CoA-transferase 1; minus strand). Cytogenetic location: 5p13.1.
Variant type: Indel.
Coding change: c.142_151delinsTGTAT on transcript NM_000436.4 (MANE Select); coding-DNA positions 142 to 151, GAAGCTGTAA replaced by TGTAT.
Protein change: p.Glu48fs; shifts the reading frame from glutamic acid 48.
Molecular consequence: frameshift variant. On other transcripts: non-coding transcript variant (1).
Genome position (GRCh38, 1-based): chr5:41,862,678-41,862,687, TTACAGCTTC replaced by ATACA on the plus strand (GAAGCTGTAA replaced by TGTAT on the coding strand, the reverse complement: OXCT1 is on the minus strand). VCF-style: chr5-41862678-TTACAGCTTC-ATACA. GRCh37 (hg19) VCF-style: chr5-41862780-TTACAGCTTC-ATACA.
Other names: c.142_151delinsTGTAT, p.Glu48fs (NM_001364299.2, NM_001364301.2, NM_001364302.2); c.163_172delinsTGTAT, p.Glu55fs (NM_001364300.2); short protein forms E48fs, E55fs.
Identifiers: ClinVar variation 5042717 (VCV005042717.1).
Genomic context (GRCh38, chr5:41,862,678, plus strand): 5'-CATGAAAACAGTGTTAGTACTCACCACCAACCAAAACCGTGGCACCATCAGGGATGTCTT[TTACAGCTTC>ATACA]TACTGGATCTGTATAAAACTTGGTATGGCGATGAGCACTGGTGGAAAAGGAACAAACACA-3'